The following is an entry in ClinVar:

ClinVar aggregate classification (germline): Uncertain significance (1 of 4 stars; one submission).

Conditions:
Familial focal epilepsy with variable foci (FPEVF). Identifiers: Orphanet 98820, MedGen C1858477, MONDO:0020310.

Allele frequency attached by ClinVar (database versions not stated): gnomAD exomes below 0.00001; ExAC 0.00001.
gnomAD v4.1: 3 of 1,614,186 alleles (0.00019%); highest among the groups gnomAD compares: African/African-American, 0.0013%; no homozygotes.

Submission:

Labcorp Genetics (formerly Invitae), Labcorp
Classification: Uncertain significance for Familial focal epilepsy with variable foci. Last evaluated: 2022-09-20. Review status: criteria provided, single submitter. Criteria: Invitae Variant Classification Sherloc (09022015). Collection method: clinical testing. Allele origin: germline.
Comment: Algorithms developed to predict the effect of missense changes on protein structure and function are either unavailable or do not agree on the potential impact of this missense change (SIFT: "Tolerated"; PolyPhen-2: "Not Available"; Align-GVGD: "Class C0"). This variant is present in population databases (rs759006388, gnomAD 0.0009%). This variant has not been reported in the literature in individuals affected with DEPDC5-related conditions. In summary, the available evidence is currently insufficient to determine the role of this variant in disease. Therefore, it has been classified as a Variant of Uncertain Significance. This sequence change replaces methionine, which is neutral and non-polar, with valine, which is neutral and non-polar, at codon 561 of the DEPDC5 protein (p.Met561Val).

NM_001242896.3(DEPDC5):c.1681A>G (p.Met561Val)

Gene: DEPDC5 (DEP domain containing 5, GATOR1 subcomplex subunit; plus strand). Cytogenetic location: 22q12.3.
Variant type: single nucleotide variant.
Coding change: c.1681A>G on transcript NM_001242896.3 (MANE Select); coding-DNA position 1681, A replaced by G.
Protein change: p.Met561Val; replaces methionine 561 with valine.
Molecular consequence: missense variant. On other transcripts: non-coding transcript variant (5).
Genome position (GRCh38, 1-based): chr22:31,819,036, A>G. VCF-style: chr22-31819036-A-G. GRCh37 (hg19) VCF-style: chr22-32215022-A-G.
Other names: c.1681A>G, p.Met561Val (NM_001242897.2, NM_001363852.2, NM_001363854.2 and 6 more transcripts); c.1597A>G, p.Met533Val (NM_001369901.1, NM_001369902.1); short protein forms M533V, M561V.
Identifiers: ClinVar variation 2415557 (VCV002415557.6), dbSNP rs759006388, ClinGen allele CA10196449.
Genomic context (GRCh38, chr22:31,819,036, plus strand): 5'-GGTTCTGTGGTTTTTCTTTGTGACTCAACTCCATGATAACTGGCAGATGTCCTGGAGAAC[A>G]TGATGGAGCCACCACAGCGAGACTCCAGTGCACCAGGGAGGTTTCACGTTGGCAGTGCAG-3'
Protein context (NP_001229825.1, residues 551-571): YTSTRDVLEN[Met561Val]MEPPQRDSSA